The following is an entry in ClinVar:

NM_000075.4(CDK4):c.51T>A (p.Tyr17Ter)

Gene: CDK4 (cyclin dependent kinase 4; minus strand). Cytogenetic location: 12q14.1.
Variant type: single nucleotide variant.
Coding change: c.51T>A on transcript NM_000075.4 (MANE Select); coding-DNA position 51, T replaced by A.
Protein change: p.Tyr17Ter; replaces tyrosine 17 with a stop codon.
Molecular consequence: nonsense.
Genome position (GRCh38, 1-based): chr12:57,751,667, A>T on the plus strand (T>A on the coding strand, the complement: CDK4 is on the minus strand). VCF-style: chr12-57751667-A-T. GRCh37 (hg19) VCF-style: chr12-58145450-A-T.
Other names: short protein forms Y17*.
Identifiers: ClinVar variation 1517945 (VCV001517945.6), dbSNP rs2140388654, ClinGen allele CA385549105.
Genomic context (GRCh38, chr12:57,751,667, plus strand): 5'-CACACTCTTGAGGGCCACAAAGTGGCCACTGTGGGGATCACGGGCCTTGTACACTGTCCC[A>T]TAGGCACCGACACCAATTTCAGCCACTGGCTCATATCGAGAGGTAGCCATTCTCAGATCA-3'

ClinVar aggregate classification (germline): Uncertain significance (1 of 4 stars; one submission).

Conditions:
Familial melanoma. Also called: Hereditary melanoma; Hereditary cutaneous melanoma. Identifiers: Orphanet 618, MedGen C1512419, MONDO:0018961.

Submission:

Labcorp Genetics (formerly Invitae), Labcorp
Classification: Uncertain significance for Familial melanoma. Last evaluated: 2024-04-23. Review status: criteria provided, single submitter. Criteria: Invitae Variant Classification Sherloc (09022015). Collection method: clinical testing. Allele origin: germline.
Comment: This sequence change creates a premature translational stop signal (p.Tyr17*) in the CDK4 gene. It is expected to result in an absent or disrupted protein product. However, the current clinical and genetic evidence is not sufficient to establish whether loss-of-function variants in CDK4 cause disease. This variant is not present in population databases (gnomAD no frequency). This variant has not been reported in the literature in individuals affected with CDK4-related conditions. ClinVar contains an entry for this variant (Variation ID: 1517945). Algorithms developed to predict the effect of sequence changes on RNA splicing suggest that this variant may disrupt the consensus splice site. In summary, the available evidence is currently insufficient to determine the role of this variant in disease. Therefore, it has been classified as a Variant of Uncertain Significance.